The following is an entry in ClinVar:

NM_001184880.2(PCDH19):c.1157G>T (p.Cys386Phe)

Gene: PCDH19 (protocadherin 19; minus strand). Cytogenetic location: Xq22.1.
Variant type: single nucleotide variant.
Coding change: c.1157G>T on transcript NM_001184880.2 (MANE Select); coding-DNA position 1157, G replaced by T.
Protein change: p.Cys386Phe; replaces cysteine 386 with phenylalanine.
Molecular consequence: missense variant.
Genome position (GRCh38, 1-based): chrX:100,407,441, C>A on the plus strand (G>T on the coding strand, the complement: PCDH19 is on the minus strand). VCF-style: chrX-100407441-C-A. GRCh37 (hg19) VCF-style: chrX-99662439-C-A.
Other names: c.1157G>T, p.Cys386Phe (NM_001105243.2, NM_020766.3); short protein forms C386F.
Identifiers: ClinVar variation 1700290 (VCV001700290.3), dbSNP rs2147539484, ClinGen allele CA414003933.
Genomic context (GRCh38, chrX:100,407,441, plus strand): 5'-AGAATAGTGGAGAAGCTCTCATATTCCTGCAGTCGAAAGGGCACATTGCCCAGCAAACGG[C>A]ACTGCACACGTCCATTGAGGCCTGAGTCGCGATCAGACACCCGCACCAAGGCGATCACGT-3'
Protein context (NP_001171809.1, residues 376-396): RDSGLNGRVQ[Cys386Phe]RLLGNVPFRL

ClinVar aggregate classification (germline): Uncertain significance. Review status: criteria provided, multiple submitters, no conflicts (2 of 4 stars). 2 submissions from 2 submitters: Uncertain significance (2). Last evaluated 2025-09-10.

Conditions:
Developmental and epileptic encephalopathy, 9 (DEE9). Also called: JUBERG-HELLMAN SYNDROME; Early infantile epileptic encephalopathy 9; EPILEPSY, FEMALE-RESTRICTED, WITH MENTAL RETARDATION; PCDH19-Related X-Linked Female-Limited Epilepsy with Mental Retardation. Identifiers: Orphanet 101039, Orphanet 2076, MedGen C1848137, MONDO:0010246, OMIM 300088. Disease mechanism: loss of function.

Submissions (2):

Genomic Medicine Center of Excellence, King Faisal Specialist Hospital and Research Centre
Classification: Uncertain significance for Developmental and epileptic encephalopathy, 9. Last evaluated: 2025-09-10. Review status: criteria provided, single submitter. Criteria: ACMG Guidelines, 2015. Collection method: clinical testing. Allele origin: germline.

GeneDx
Classification: Uncertain significance. Last evaluated: 2022-02-02. Review status: criteria provided, single submitter. Criteria: GeneDx Variant Classification Process June 2021. Collection method: clinical testing. Allele origin: germline. Affected: yes.
Comment: In silico analysis supports that this missense variant has a deleterious effect on protein structure/function; Missense variants in this gene are often considered pathogenic (HGMD); Not observed at significant frequency in large population cohorts (gnomAD); Has not been previously published as pathogenic or benign to our knowledge